The following is an entry in ClinVar:

NM_033380.3(COL4A5):c.2948A>G (p.Tyr983Cys)

Gene: COL4A5 (collagen type IV alpha 5 chain; plus strand). Cytogenetic location: Xq22.3.
Variant type: single nucleotide variant.
Coding change: c.2948A>G on transcript NM_033380.3 (MANE Select); coding-DNA position 2948, A replaced by G.
Protein change: p.Tyr983Cys; replaces tyrosine 983 with cysteine.
Molecular consequence: missense variant.
Genome position (GRCh38, 1-based): chrX:108,624,266, A>G. VCF-style: chrX-108624266-A-G. GRCh37 (hg19) VCF-style: chrX-107867496-A-G.
Other names: c.2948A>G, p.Tyr983Cys (NM_000495.5); short protein forms Y983C.
Identifiers: ClinVar variation 3729789 (VCV003729789.2).

ClinVar aggregate classification (germline): Uncertain significance (1 of 4 stars; one submission).

gnomAD v4.1: 4 of 1,209,855 alleles (0.00033%); highest among the groups gnomAD compares: Non-Finnish European, 0.00045%; no homozygotes.

Submission:

Labcorp Genetics (formerly Invitae), Labcorp
Classification: Uncertain significance. Last evaluated: 2025-07-14. Review status: criteria provided, single submitter. Criteria: Invitae Variant Classification Sherloc (09022015). Collection method: clinical testing. Allele origin: germline.
Comment: This sequence change replaces tyrosine, which is neutral and polar, with cysteine, which is neutral and slightly polar, at codon 983 of the COL4A5 protein (p.Tyr983Cys). This variant is not present in population databases (gnomAD no frequency). This variant has not been reported in the literature in individuals affected with COL4A5-related conditions. ClinVar contains an entry for this variant (Variation ID: 3729789). Invitae Evidence Modeling of protein sequence and biophysical properties (such as structural, functional, and spatial information, amino acid conservation, physicochemical variation, residue mobility, and thermodynamic stability) indicates that this missense variant is not expected to disrupt COL4A5 protein function with a negative predictive value of 95%. In summary, the available evidence is currently insufficient to determine the role of this variant in disease. Therefore, it has been classified as a Variant of Uncertain Significance.